The following is an entry in ClinVar:

NM_003334.4(UBA1):c.2365A>G (p.Thr789Ala)

Gene: UBA1 (ubiquitin like modifier activating enzyme 1; plus strand). Cytogenetic location: Xp11.3.
Variant type: single nucleotide variant.
Coding change: c.2365A>G on transcript NM_003334.4 (MANE Select); coding-DNA position 2365, A replaced by G.
Protein change: p.Thr789Ala; replaces threonine 789 with alanine.
Molecular consequence: missense variant.
Genome position (GRCh38, 1-based): chrX:47,211,126, A>G. VCF-style: chrX-47211126-A-G. GRCh37 (hg19) VCF-style: chrX-47070525-A-G.
Other names: c.2365A>G, p.Thr789Ala (NM_153280.3); c.2365A>G (NM_003334.3); short protein forms T789A.
Identifiers: ClinVar variation 2901755 (VCV002901755.4), dbSNP rs377527446, ClinGen allele CA10396111.
Genomic context (GRCh38, chrX:47,211,126, plus strand): 5'-GCCAACCTGTTTGCCCAGACCTACGGGCTGACAGGCTCTCAGGACCGAGCTGCTGTGGCC[A>G]CATTCCTGCAGTCTGTGCAGGTCCCCGAATTCACCCCCAAGTCTGGCGTCAAGATCCATG-3'
Protein context (NP_003325.2, residues 779-799): TGSQDRAAVA[Thr789Ala]FLQSVQVPEF

ClinVar aggregate classification (germline): Conflicting classifications of pathogenicity. Review status: criteria provided, conflicting classifications (1 of 4 stars). 2 submissions from 2 submitters: Uncertain significance (1); Likely benign (1). Last evaluated 2025-03-04.

Conditions:
Infantile-onset X-linked spinal muscular atrophy. Also called: SPINAL MUSCULAR ATROPHY, X-LINKED LETHAL INFANTILE; Spinal muscular atrophy, X-linked 2; AMC, DISTAL, X-LINKED; ARTHROGRYPOSIS, X-LINKED, TYPE I; Spinal Muscular Atrophy, X-Linked Infantile. Identifiers: Orphanet 1145, MedGen C1844934, MONDO:0010532, OMIM 301830.
Inborn genetic diseases. Identifiers: MedGen C0950123, MeSH D030342.

Allele frequency attached by ClinVar (database versions not stated): TOPMed below 0.00001; gnomAD exomes 0.00001; ExAC 0.00002.
gnomAD v4.1: 6 of 1,211,808 alleles (0.0005%); highest among the groups gnomAD compares: Admixed American, 0.013%; no homozygotes.

Submissions (2):

Ambry Genetics
Classification: Likely benign for Inborn genetic diseases. Last evaluated: 2025-03-04. Review status: criteria provided, single submitter. Criteria: Ambry Variant Classification Scheme 2023. Collection method: clinical testing. Allele origin: germline.

Labcorp Genetics (formerly Invitae), Labcorp
Classification: Uncertain significance for Infantile-onset X-linked spinal muscular atrophy. Last evaluated: 2023-08-28. Review status: criteria provided, single submitter. Criteria: Invitae Variant Classification Sherloc (09022015). Collection method: clinical testing. Allele origin: germline.
Comment: This sequence change replaces threonine, which is neutral and polar, with alanine, which is neutral and non-polar, at codon 789 of the UBA1 protein (p.Thr789Ala). This variant is present in population databases (rs377527446, gnomAD 0.03%), including at least one homozygous and/or hemizygous individual. This variant has not been reported in the literature in individuals affected with UBA1-related conditions. Algorithms developed to predict the effect of missense changes on protein structure and function output the following: SIFT: "Not Available"; PolyPhen-2: "Benign"; Align-GVGD: "Not Available". The alanine amino acid residue is found in multiple mammalian species, which suggests that this missense change does not adversely affect protein function. In summary, the available evidence is currently insufficient to determine the role of this variant in disease. Therefore, it has been classified as a Variant of Uncertain Significance.